The following is an entry in ClinVar:

ClinVar aggregate classification (germline): Uncertain significance (1 of 4 stars; one submission).

gnomAD v4.1: 16 of 1,612,388 alleles (0.00099%); highest among the groups gnomAD compares: Admixed American, 0.0067%; no homozygotes.

Submission:

CeGaT Center for Human Genetics Tuebingen
Classification: Uncertain significance. Last evaluated: 2026-09-01. Review status: criteria provided, single submitter. Criteria: CeGaT Center For Human Genetics Tuebingen Variant Classification Criteria Version 2. Collection method: clinical testing. Allele origin: germline. Affected: yes. Observed: 1 variant allele.
Comment: SLC25A19: PM2

NM_001126121.2(SLC25A19):c.778C>T (p.Arg260Trp)

Genes: MIF4GD-DT (MIF4GD divergent transcript; plus strand), SLC25A19 (solute carrier family 25 member 19; minus strand). Cytogenetic location: 17q25.1.
Variant type: single nucleotide variant.
Coding change: c.778C>T on transcript NM_001126121.2 (MANE Select); coding-DNA position 778, C replaced by T.
Protein change: p.Arg260Trp; replaces arginine 260 with tryptophan.
Molecular consequence: missense variant. On other transcripts: non-coding transcript variant (1).
Genome position (GRCh38, 1-based): chr17:75,273,636, G>A on the plus strand (C>T on the coding strand, the complement: SLC25A19 is on the minus strand). VCF-style: chr17-75273636-G-A. GRCh37 (hg19) VCF-style: chr17-73269717-G-A.
Other names: c.778C>T, p.Arg260Trp (NM_001126122.2, NM_021734.5); short protein forms R260W.
Identifiers: ClinVar variation 5041262 (VCV005041262.1).